The following is an entry in ClinVar:

NM_001098671.2(RASGRP2):c.1211C>A (p.Pro404His)

Gene: RASGRP2 (RAS guanyl releasing protein 2; minus strand). Cytogenetic location: 11q13.1.
Variant type: single nucleotide variant.
Coding change: c.1211C>A on transcript NM_001098671.2 (MANE Select); coding-DNA position 1211, C replaced by A.
Protein change: p.Pro404His; replaces proline 404 with histidine.
Molecular consequence: missense variant.
Genome position (GRCh38, 1-based): chr11:64,735,627, G>T on the plus strand (C>A on the coding strand, the complement: RASGRP2 is on the minus strand). VCF-style: chr11-64735627-G-T. GRCh37 (hg19) VCF-style: chr11-64503099-G-T.
Other names: c.1211C>A, p.Pro404His (NM_001098670.2, NM_153819.2); c.776C>A, p.Pro259His (NM_001318398.2); short protein forms P259H, P404H.
Identifiers: ClinVar variation 2164582 (VCV002164582.5), dbSNP rs139873299, ClinGen allele CA6078974.

ClinVar aggregate classification (germline): Uncertain significance. Review status: criteria provided, single submitter (1 of 4 stars). 2 submissions from 2 submitters: Uncertain significance (1). 1 of the submissions does not count toward it. Last evaluated 2024-10-16.

Conditions:
RASGRP2-related disorder. Also called: RASGRP2-related condition.

Allele frequency attached by ClinVar (database versions not stated): TOPMed 0.00002; gnomAD 0.00003; ExAC 0.00004; 1000 Genomes Project 30x 0.00016; 1000 Genomes Project 0.00020.
gnomAD v4.1: 46 of 1,613,858 alleles (0.0029%); highest among the groups gnomAD compares: Non-Finnish European, 0.0036%; no homozygotes.

Submissions (2):

Labcorp Genetics (formerly Invitae), Labcorp
Classification: Uncertain significance. Last evaluated: 2024-10-16. Review status: criteria provided, single submitter. Criteria: Invitae Variant Classification Sherloc (09022015). Collection method: clinical testing. Allele origin: germline.
Comment: This sequence change replaces proline, which is neutral and non-polar, with histidine, which is basic and polar, at codon 404 of the RASGRP2 protein (p.Pro404His). This variant is present in population databases (rs139873299, gnomAD 0.007%). This variant has not been reported in the literature in individuals affected with RASGRP2-related conditions. ClinVar contains an entry for this variant (Variation ID: 2164582). Invitae Evidence Modeling of protein sequence and biophysical properties (such as structural, functional, and spatial information, amino acid conservation, physicochemical variation, residue mobility, and thermodynamic stability) indicates that this missense variant is not expected to disrupt RASGRP2 protein function with a negative predictive value of 80%. In summary, the available evidence is currently insufficient to determine the role of this variant in disease. Therefore, it has been classified as a Variant of Uncertain Significance.

PreventionGenetics, part of Exact Sciences
Classification: Uncertain significance for RASGRP2-related condition. Last evaluated: 2024-04-16. Review status: no assertion criteria provided. Collection method: clinical testing. Allele origin: germline. Not counted in ClinVar's aggregate classification.
Comment: The RASGRP2 c.1211C>A variant is predicted to result in the amino acid substitution p.Pro404His. To our knowledge, this variant has not been reported in the literature. This variant is reported in 0.0080% of alleles in individuals of European (Non-Finnish) descent in gnomAD. At this time, the clinical significance of this variant is uncertain due to the absence of conclusive functional and genetic evidence.